The following is an entry in ClinVar:

NM_001379110.1(SLC9A6):c.740C>T (p.Ser247Phe)

Gene: SLC9A6 (solute carrier family 9 member A6; plus strand). Cytogenetic location: Xq26.3.
Variant type: single nucleotide variant.
Coding change: c.740C>T on transcript NM_001379110.1 (MANE Select); coding-DNA position 740, C replaced by T.
Protein change: p.Ser247Phe; replaces serine 247 with phenylalanine.
Molecular consequence: missense variant.
Genome position (GRCh38, 1-based): chrX:136,002,210, C>T. VCF-style: chrX-136002210-C-T. GRCh37 (hg19) VCF-style: chrX-135084369-C-T.
Other names: c.896C>T, p.Ser299Phe (NM_001042537.2); c.740C>T, p.Ser247Phe (NM_001177651.2, NM_001400909.1, NM_001400910.1 and 2 more transcripts); c.644C>T, p.Ser215Phe (NM_001330652.2, NM_001400913.1); c.800C>T, p.Ser267Phe (NM_006359.3); short protein forms S299F, S247F, S215F, S267F.
Identifiers: ClinVar variation 3655112 (VCV003655112.2).
Genomic context (GRCh38, chrX:136,002,210, plus strand): 5'-AACTCTATGCACTTCTTTTTGGTGAAAGTGTCCTCAATGATGCTGTTGCCATAGTGCTGT[C>T]CTCGTAAGTGTTTGTTTTCTTATTATATTCTGAATATTAAGTGTGAGGGTACTAGGAACT-3'
Protein context (NP_001366039.1, residues 237-257): VLNDAVAIVL[Ser247Phe]SSIVAYQPAG

ClinVar aggregate classification (germline): Uncertain significance (1 of 4 stars; one submission).

Conditions:
Christianson syndrome (MRXSCH). Also called: X-linked mental retardation, syndromic, Christianson type; SLC9A6-Related Syndromic Mental Retardation; INTELLECTUAL DEVELOPMENTAL DISORDER, X-LINKED, SYNDROMIC, CHRISTIANSON TYPE. Identifiers: Orphanet 85278, MedGen C2678194, MONDO:0010278, OMIM 300243.

Submission:

Labcorp Genetics (formerly Invitae), Labcorp
Classification: Uncertain significance for Christianson syndrome. Last evaluated: 2024-05-31. Review status: criteria provided, single submitter. Criteria: Invitae Variant Classification Sherloc (09022015). Collection method: clinical testing. Allele origin: germline.
Comment: This sequence change replaces serine, which is neutral and polar, with phenylalanine, which is neutral and non-polar, at codon 267 of the SLC9A6 protein (p.Ser267Phe). This variant is not present in population databases (gnomAD no frequency). This variant has not been reported in the literature in individuals affected with SLC9A6-related conditions. Advanced modeling of protein sequence and biophysical properties (such as structural, functional, and spatial information, amino acid conservation, physicochemical variation, residue mobility, and thermodynamic stability) performed at Invitae indicates that this missense variant is not expected to disrupt SLC9A6 protein function with a negative predictive value of 80%. In summary, the available evidence is currently insufficient to determine the role of this variant in disease. Therefore, it has been classified as a Variant of Uncertain Significance.